The following is an entry in ClinVar:

NM_206933.4(USH2A):c.15199del (p.Ile5067fs)

Gene: USH2A (usherin; minus strand). Cytogenetic location: 1q41.
Variant type: Deletion.
Coding change: c.15199del on transcript NM_206933.4 (MANE Select); coding-DNA position 15199, one base deleted (A; older notation c.15199delA).
Protein change: p.Ile5067fs; shifts the reading frame from isoleucine 5067.
Molecular consequence: frameshift variant.
Genome position (GRCh38, 1-based): chr1:215,634,557, T deleted on the plus strand (A on the coding strand, the reverse complement: USH2A is on the minus strand); the first of 5 consecutive T bases (chr1:215,634,557-215,634,561); deleting any one gives the same sequence. VCF-style (leftmost placement, unchanged base first): chr1-215634556-AT-A. GRCh37 (hg19) VCF-style: chr1-215807898-AT-A.
Other names: short protein forms I5067fs.
Identifiers: ClinVar variation 1071761 (VCV001071761.10), dbSNP rs2102630527, ClinGen allele CA2499214442.

ClinVar aggregate classification (germline): Pathogenic. Review status: criteria provided, single submitter (1 of 4 stars). 2 submissions from 2 submitters: Pathogenic (1). 1 of the submissions does not count toward it. Last evaluated 2021-06-23.

Conditions:
Usher syndrome type 2A. Also called: RETINAL DISEASE IN USHER SYNDROME TYPE IIA, MODIFIER OF; USHER SYNDROME, TYPE IIA. Identifiers: Orphanet 231178, Orphanet 886, MedGen C1848634, MONDO:0010169, OMIM 276901.

Submissions (2):

Labcorp Genetics (formerly Invitae), Labcorp
Classification: Pathogenic. Last evaluated: 2021-06-23. Review status: criteria provided, single submitter. Criteria: Invitae Variant Classification Sherloc (09022015). Collection method: clinical testing. Allele origin: germline.
Comment: For these reasons, this variant has been classified as Pathogenic. Loss-of-function variants in USH2A are known to be pathogenic (PMID: 10729113, 10909849, 20507924, 25649381). This variant has been observed in individual(s) with clinical features of Usher syndrome (PMID: 30073356). This variant is not present in population databases (ExAC no frequency). This sequence change creates a premature translational stop signal (p.Ile5067Serfs*23) in the USH2A gene. It is expected to result in an absent or disrupted protein product.

Natera, Inc.
Classification: Pathogenic for Usher syndrome type 2A. Last evaluated: 2020-07-14. Review status: no assertion criteria provided. Collection method: clinical testing. Allele origin: germline. Not counted in ClinVar's aggregate classification.

Literature cited by the submitters: PubMed 10729113 (cited by Labcorp Genetics (formerly Invitae), Labcorp); PubMed 10909849 (cited by Labcorp Genetics (formerly Invitae), Labcorp); PubMed 20507924 (cited by Labcorp Genetics (formerly Invitae), Labcorp); PubMed 25649381 (cited by Labcorp Genetics (formerly Invitae), Labcorp); PubMed 30073356 (cited by Labcorp Genetics (formerly Invitae), Labcorp).